The following is an entry in ClinVar:

ClinVar aggregate classification (germline): Uncertain significance (1 of 4 stars; one submission).

Conditions:
RPS24-related disorder. Also called: RPS24-related condition.

gnomAD v4.1: 47 of 1,551,434 alleles (0.003%); highest among the groups gnomAD compares: Non-Finnish European, 0.0037%; no homozygotes.

Submission:

PreventionGenetics, part of Exact Sciences
Classification: Uncertain significance for RPS24-related condition. Last evaluated: 2026-03-11. Review status: criteria provided, single submitter. Criteria: ACMG Guidelines, 2015. Collection method: clinical testing. Allele origin: germline.
Comment: The RPS24 c.467C>T variant is predicted to result in the amino acid substitution p.Ser156Leu. To our knowledge, this variant has not been reported in the literature. This variant is reported in 0.0053% of alleles in individuals of European (Non-Finnish) descent in gnomAD. At this time, the clinical significance of this variant is uncertain due to the absence of conclusive functional and genetic evidence.

NM_001142285.2(RPS24):c.467C>T (p.Ser156Leu)

Gene: RPS24 (ribosomal protein S24; plus strand). Cytogenetic location: 10q22.3.
Variant type: single nucleotide variant.
Coding change: c.467C>T on transcript NM_001142285.2; coding-DNA position 467, C replaced by T.
Protein change: p.Ser156Leu; replaces serine 156 with leucine.
Molecular consequence: missense variant.
Genome position (GRCh38, 1-based): chr10:78,054,607, C>T. VCF-style: chr10-78054607-C-T. GRCh37 (hg19) VCF-style: chr10-79814365-C-T.
Other names: short protein forms S156L.
Identifiers: ClinVar variation 4977629 (VCV004977629.1).